The following is an entry in ClinVar:

ClinVar aggregate classification (germline): Uncertain significance. Review status: criteria provided, multiple submitters, no conflicts (2 of 4 stars). 2 submissions from 2 submitters: Uncertain significance (2). Last evaluated 2025-03-04.

Conditions:
Inborn genetic diseases. Identifiers: MedGen C0950123, MeSH D030342.
Neuropathy, hereditary sensory and autonomic, type 2A (HSAN2A). Also called: HSAN IIA; WNK1-Related HSAN2 (HSAN2A); ACROOSTEOLYSIS, GIACCAI TYPE; ACROOSTEOLYSIS, NEUROGENIC; MORVAN DISEASE; NEUROPATHY, CONGENITAL SENSORY. Identifiers: Orphanet 970, MedGen C2752089, MONDO:0024309, OMIM 201300.
Pseudohypoaldosteronism type 2C (PHA2C). Also called: Pseudohypoaldosteronism Type IIC. Identifiers: Orphanet 757, Orphanet 88940, MedGen C1840391, MONDO:0013778, OMIM 614492.

Allele frequency attached by ClinVar (database versions not stated): gnomAD exomes below 0.00001 and 0.00001; ExAC 0.00001; TOPMed 0.00003; gnomAD 0.00004.
gnomAD v4.1: 11 of 1,614,016 alleles (0.00068%); highest among the groups gnomAD compares: African/African-American, 0.0067%; no homozygotes.

Submissions (2):

Labcorp Genetics (formerly Invitae), Labcorp
Classification: Uncertain significance for Neuropathy, hereditary sensory and autonomic, type 2A; Pseudohypoaldosteronism type 2C. Last evaluated: 2025-03-04. Review status: criteria provided, single submitter. Criteria: Invitae Variant Classification Sherloc (09022015). Collection method: clinical testing. Allele origin: germline.
Comment: This sequence change replaces valine, which is neutral and non-polar, with isoleucine, which is neutral and non-polar, at codon 1744 of the WNK1 protein (p.Val1744Ile). This variant is present in population databases (rs774954731, gnomAD 0.007%). This variant has not been reported in the literature in individuals affected with WNK1-related conditions. ClinVar contains an entry for this variant (Variation ID: 471189). Invitae Evidence Modeling of protein sequence and biophysical properties (such as structural, functional, and spatial information, amino acid conservation, physicochemical variation, residue mobility, and thermodynamic stability) indicates that this missense variant is not expected to disrupt WNK1 protein function with a negative predictive value of 95%. In summary, the available evidence is currently insufficient to determine the role of this variant in disease. Therefore, it has been classified as a Variant of Uncertain Significance.

Ambry Genetics
Classification: Uncertain significance for Inborn genetic diseases. Last evaluated: 2022-01-11. Review status: criteria provided, single submitter. Criteria: Ambry Variant Classification Scheme 2023. Collection method: clinical testing. Allele origin: germline.
Comment: The p.V1744I variant (also known as c.5230G>A), located in coding exon 19 of the WNK1 gene, results from a G to A substitution at nucleotide position 5230. The valine at codon 1744 is replaced by isoleucine, an amino acid with highly similar properties. This amino acid position is not well conserved in available vertebrate species. In addition, this alteration is predicted to be tolerated by in silico analysis. Since supporting evidence is limited at this time, the clinical significance of this alteration remains unclear.

NM_018979.4(WNK1):c.4474G>A (p.Val1492Ile)

Gene: WNK1 (WNK lysine deficient protein kinase 1; plus strand). Cytogenetic location: 12p13.33.
Variant type: single nucleotide variant.
Coding change: c.4474G>A on transcript NM_018979.4 (MANE Select); coding-DNA position 4474, G replaced by A.
Protein change: p.Val1492Ile; replaces valine 1492 with isoleucine.
Molecular consequence: missense variant.
Genome position (GRCh38, 1-based): chr12:885,278, G>A. VCF-style: chr12-885278-G-A. GRCh37 (hg19) VCF-style: chr12-994444-G-A.
Other names: c.5254G>A, p.Val1752Ile (NM_001184985.2); c.3733G>A, p.Val1245Ile (NM_014823.3); c.5230G>A, p.Val1744Ile (NM_213655.5); short protein forms V1492I, V1744I, V1245I, V1752I.
Identifiers: ClinVar variation 471189 (VCV000471189.10), dbSNP rs774954731, ClinGen allele CA6382978.